The following is an entry in ClinVar:

NM_004006.3(DMD):c.2572A>T (p.Thr858Ser)

Gene: DMD (dystrophin; minus strand). Cytogenetic location: Xp21.1.
Variant type: single nucleotide variant.
Coding change: c.2572A>T on transcript NM_004006.3 (MANE Select); coding-DNA position 2572, A replaced by T.
Protein change: p.Thr858Ser; replaces threonine 858 with serine.
Molecular consequence: missense variant.
Genome position (GRCh38, 1-based): chrX:32,491,327, T>A on the plus strand (A>T on the coding strand, the complement: DMD is on the minus strand). VCF-style: chrX-32491327-T-A. GRCh37 (hg19) VCF-style: chrX-32509444-T-A.
Other names: c.2548A>T, p.Thr850Ser (NM_000109.4); c.2560A>T, p.Thr854Ser (NM_004009.3); c.2203A>T, p.Thr735Ser (NM_004010.3); short protein forms T858S, T735S, T854S, T850S.
Identifiers: ClinVar variation 388597 (VCV000388597.5), dbSNP rs752670585, ClinGen allele CA10379493.

ClinVar aggregate classification (germline): Conflicting classifications of pathogenicity. Review status: criteria provided, conflicting classifications (1 of 4 stars). 2 submissions from 2 submitters: Uncertain significance (1); Likely benign (1). Last evaluated 2025-10-13.

Conditions:
Duchenne muscular dystrophy (DMD). Also called: MUSCULAR DYSTROPHY, PSEUDOHYPERTROPHIC PROGRESSIVE, DUCHENNE TYPE; Duchenne Muscular Dystrophy (DMD). Identifiers: Orphanet 98896, MedGen C0013264, MONDO:0010679, OMIM 310200.

Allele frequency attached by ClinVar (database versions not stated): TOPMed below 0.00001; ExAC 0.00001; gnomAD exomes 0.00001.
gnomAD v4.1: 15 of 1,211,400 alleles (0.0012%); highest among the groups gnomAD compares: Non-Finnish European, 0.0017%; no homozygotes.

Submissions (2):

Labcorp Genetics (formerly Invitae), Labcorp
Classification: Uncertain significance for Duchenne muscular dystrophy. Last evaluated: 2025-10-13. Review status: criteria provided, single submitter. Criteria: Invitae Variant Classification Sherloc (09022015). Collection method: clinical testing. Allele origin: germline.
Comment: This sequence change replaces threonine, which is neutral and polar, with serine, which is neutral and polar, at codon 858 of the DMD protein (p.Thr858Ser). This variant is present in population databases (rs752670585, gnomAD 0.002%). This variant has not been reported in the literature in individuals affected with DMD-related conditions. ClinVar contains an entry for this variant (Variation ID: 388597). Invitae Evidence Modeling of protein sequence and biophysical properties (such as structural, functional, and spatial information, amino acid conservation, physicochemical variation, residue mobility, and thermodynamic stability) indicates that this missense variant is not expected to disrupt DMD protein function with a negative predictive value of 95%. In summary, the available evidence is currently insufficient to determine the role of this variant in disease. Therefore, it has been classified as a Variant of Uncertain Significance.

GeneDx
Classification: Likely benign. Last evaluated: 2016-08-18. Review status: criteria provided, single submitter. Criteria: GeneDx Variant Classification (06012015). Collection method: clinical testing. Allele origin: germline. Affected: yes.
Comment: This variant is considered likely benign or benign based on one or more of the following criteria: it is a conservative change, it occurs at a poorly conserved position in the protein, it is predicted to be benign by multiple in silico algorithms, and/or has population frequency not consistent with disease.